The following is an entry in ClinVar:

NM_002661.5(PLCG2):c.3202C>T (p.Leu1068Phe)

Gene: PLCG2 (phospholipase C gamma 2; plus strand). Cytogenetic location: 16q23.3.
Variant type: single nucleotide variant.
Coding change: c.3202C>T on transcript NM_002661.5 (MANE Select); coding-DNA position 3202, C replaced by T.
Protein change: p.Leu1068Phe; replaces leucine 1068 with phenylalanine.
Molecular consequence: missense variant.
Genome position (GRCh38, 1-based): chr16:81,938,804, C>T. VCF-style: chr16-81938804-C-T. GRCh37 (hg19) VCF-style: chr16-81972409-C-T.
Other names: c.3202C>T, p.Leu1068Phe (NM_001425749.1, NM_001425750.1, NM_001425751.1); short protein forms L1068F.
Identifiers: ClinVar variation 2889867 (VCV002889867.3), dbSNP rs375154673, ClinGen allele CA8194637.

ClinVar aggregate classification (germline): Uncertain significance (1 of 4 stars; one submission).

Conditions:
Familial cold autoinflammatory syndrome 3 (FCAS3). Also called: FAMILIAL ATYPICAL COLD URTICARIA; ANTIBODY DEFICIENCY AND IMMUNE DYSREGULATION, PLCG2-ASSOCIATED. Identifiers: Orphanet 300359, MedGen C3280914, MONDO:0013766, OMIM 614468.

Allele frequency attached by ClinVar (database versions not stated): ExAC 0.00001; ESP Exome Variant Server 0.00008.
gnomAD v4.1: 10 of 1,604,704 alleles (0.00062%); highest among the groups gnomAD compares: Admixed American, 0.0017%; no homozygotes.

Submission:

Labcorp Genetics (formerly Invitae), Labcorp
Classification: Uncertain significance for Familial cold autoinflammatory syndrome 3. Last evaluated: 2023-03-29. Review status: criteria provided, single submitter. Criteria: Invitae Variant Classification Sherloc (09022015). Collection method: clinical testing. Allele origin: germline.
Comment: In summary, the available evidence is currently insufficient to determine the role of this variant in disease. Therefore, it has been classified as a Variant of Uncertain Significance. An algorithm developed to predict the effect of missense changes on protein structure and function (PolyPhen-2) suggests that this variant is likely to be tolerated. This variant has not been reported in the literature in individuals affected with PLCG2-related conditions. This variant is present in population databases (rs375154673, gnomAD 0.003%). This sequence change replaces leucine, which is neutral and non-polar, with phenylalanine, which is neutral and non-polar, at codon 1068 of the PLCG2 protein (p.Leu1068Phe).